The following is an entry in ClinVar:

NM_001371986.1(UNC80):c.6949C>T (p.Arg2317Cys)

Gene: UNC80 (unc-80 homolog, NALCN channel complex subunit; plus strand). Cytogenetic location: 2q34.
Variant type: single nucleotide variant.
Coding change: c.6949C>T on transcript NM_001371986.1 (MANE Select); coding-DNA position 6949, C replaced by T.
Protein change: p.Arg2317Cys; replaces arginine 2317 with cysteine.
Molecular consequence: missense variant.
Genome position (GRCh38, 1-based): chr2:209,943,413, C>T. VCF-style: chr2-209943413-C-T. GRCh37 (hg19) VCF-style: chr2-210808137-C-T.
Other names: c.6751C>T, p.Arg2251Cys (NM_032504.2); c.6736C>T, p.Arg2246Cys (NM_182587.4); c.6751C>T (NM_032504.1); short protein forms R2251C, R2317C, R2246C.
Identifiers: ClinVar variation 1431691 (VCV001431691.6), dbSNP rs771687535, ClinGen allele CA65042826.

ClinVar aggregate classification (germline): Uncertain significance. Review status: criteria provided, single submitter (1 of 4 stars). 2 submissions from 2 submitters: Uncertain significance (1). 1 of the submissions does not count toward it. Last evaluated 2024-10-29.

Conditions:
UNC80-related disorder. Also called: UNC80-related condition.

Allele frequency attached by ClinVar (database versions not stated): gnomAD exomes 0.00002 and 0.00005; gnomAD 0.00003; TOPMed 0.00003.
gnomAD v4.1: 33 of 1,552,194 alleles (0.0021%); highest among the groups gnomAD compares: Admixed American, 0.018%; no homozygotes.

Submissions (2):

Labcorp Genetics (formerly Invitae), Labcorp
Classification: Uncertain significance. Last evaluated: 2024-10-29. Review status: criteria provided, single submitter. Criteria: Invitae Variant Classification Sherloc (09022015). Collection method: clinical testing. Allele origin: germline.
Comment: This sequence change replaces arginine, which is basic and polar, with cysteine, which is neutral and slightly polar, at codon 2251 of the UNC80 protein (p.Arg2251Cys). This variant is present in population databases (rs771687535, gnomAD 0.02%). This variant has not been reported in the literature in individuals affected with UNC80-related conditions. ClinVar contains an entry for this variant (Variation ID: 1431691). Invitae Evidence Modeling of protein sequence and biophysical properties (such as structural, functional, and spatial information, amino acid conservation, physicochemical variation, residue mobility, and thermodynamic stability) indicates that this missense variant is not expected to disrupt UNC80 protein function with a negative predictive value of 80%. In summary, the available evidence is currently insufficient to determine the role of this variant in disease. Therefore, it has been classified as a Variant of Uncertain Significance.

PreventionGenetics, part of Exact Sciences
Classification: Uncertain significance for UNC80-related condition. Last evaluated: 2024-07-23. Review status: no assertion criteria provided. Collection method: clinical testing. Allele origin: germline. Not counted in ClinVar's aggregate classification.
Comment: The UNC80 c.6751C>T variant is predicted to result in the amino acid substitution p.Arg2251Cys. To our knowledge, this variant has not been reported in the literature. This variant is reported in 0.012% of alleles in individuals of Latino descent in gnomAD. At this time, the clinical significance of this variant is uncertain due to the absence of conclusive functional and genetic evidence.